The following is an entry in ClinVar:

NM_032242.4(PLXNA1):c.4039-9del

Gene: PLXNA1 (plexin A1; plus strand). Cytogenetic location: 3q21.3.
Variant type: Deletion.
Coding change: c.4039-9del on transcript NM_032242.4 (MANE Select); 9 bases into the intron before coding-DNA position 4039, one base deleted (C; older notation c.4039-9delC).
Molecular consequence: intron variant.
Genome position (GRCh38, 1-based): chr3:127,022,076, C deleted. VCF-style (leftmost placement, unchanged base first): chr3-127022075-GC-G. GRCh37 (hg19) VCF-style: chr3-126740918-GC-G.
Identifiers: ClinVar variation 3347385 (VCV003347385.1).
Genomic context (GRCh38, chr3:127,022,075, plus strand): 5'-CCCTCACTGGTCAGCTTGGGGGCTGGGGCTGGGTGCTTCTCTGTGGTCTGAGCTCTGTGT[GC>G]TCCCTCAGGTGCAGGCCAATGTGGAGAAGTCGCTGACACTGTTCGGGCAGCTGCTGACCA-3'

ClinVar aggregate classification (germline): Likely benign (0 of 4 stars; one submission).

Conditions:
PLXNA1-related disorder. Also called: PLXNA1-related condition.

Submission:

PreventionGenetics, part of Exact Sciences
Classification: Likely benign for PLXNA1-related condition. Last evaluated: 2024-09-12. Review status: no assertion criteria provided. Collection method: clinical testing. Allele origin: germline.
Comment: This variant is classified as likely benign based on ACMG/AMP sequence variant interpretation guidelines (Richards et al. 2015 PMID: 25741868, with internal and published modifications).